The following is an entry in ClinVar:

NM_177438.3(DICER1):c.1847T>A (p.Leu616Ter)

Gene: DICER1 (dicer 1, ribonuclease III; minus strand). Cytogenetic location: 14q32.13.
Variant type: single nucleotide variant.
Coding change: c.1847T>A on transcript NM_177438.3 (MANE Select); coding-DNA position 1847, T replaced by A.
Protein change: p.Leu616Ter; replaces leucine 616 with a stop codon.
Molecular consequence: nonsense.
Genome position (GRCh38, 1-based): chr14:95,115,727, A>T on the plus strand (T>A on the coding strand, the complement: DICER1 is on the minus strand). VCF-style: chr14-95115727-A-T. GRCh37 (hg19) VCF-style: chr14-95582064-A-T.
Other names: c.1847T>A, p.Leu616Ter (NM_001195573.1, NM_001271282.3, NM_001291628.2 and 1 more transcripts); short protein forms L616*.
Identifiers: ClinVar variation 574836 (VCV000574836.10), dbSNP rs771634025, ClinGen allele CA390884002.

ClinVar aggregate classification (germline): Pathogenic (1 of 4 stars; one submission).

Conditions:
DICER1-related tumor predisposition. Also called: DICER1 syndrome; DICER1-related pleuropulmonary blastoma cancer predisposition syndrome. Identifiers: Orphanet 284343, MedGen C3839822, MONDO:0100216.

Submission:

Labcorp Genetics (formerly Invitae), Labcorp
Classification: Pathogenic for DICER1-related tumor predisposition. Last evaluated: 2020-02-02. Review status: criteria provided, single submitter. Criteria: Invitae Variant Classification Sherloc (09022015). Collection method: clinical testing. Allele origin: germline.
Comment: For these reasons, this variant has been classified as Pathogenic. Loss-of-function variants in DICER1 are known to be pathogenic (PMID: 19556464, 21266384). This variant has not been reported in the literature in individuals with DICER1-related disease. This variant is not present in population databases (ExAC no frequency). This sequence change creates a premature translational stop signal (p.Leu616*) in the DICER1 gene. It is expected to result in an absent or disrupted protein product.

Literature cited by the submitters: PubMed 19556464; PubMed 21266384.